The following is an entry in ClinVar:

NM_000493.4(COL10A1):c.1581G>C (p.Lys527Asn)

Genes: COL10A1 (collagen type X alpha 1 chain; minus strand), NT5DC1 (5'-nucleotidase domain containing 1; plus strand). Cytogenetic location: 6q22.1.
Variant type: single nucleotide variant.
Coding change: c.1581G>C on transcript NM_000493.4 (MANE Select); coding-DNA position 1581, G replaced by C.
Protein change: p.Lys527Asn; replaces lysine 527 with asparagine.
Molecular consequence: missense variant. On other transcripts: intron variant (1).
Genome position (GRCh38, 1-based): chr6:116,120,535, C>G on the plus strand (G>C on the coding strand, the complement: COL10A1 is on the minus strand). VCF-style: chr6-116120535-C-G. GRCh37 (hg19) VCF-style: chr6-116441698-C-G.
Other names: c.1581G>C, p.Lys527Asn (NM_001424106.1, NM_001424107.1); c.529+2590C>G (NM_152729.3); c.1581G>C (NM_000493.3); short protein forms K527N.
Identifiers: ClinVar variation 1498754 (VCV001498754.12), dbSNP rs775553455, ClinGen allele CA3968149.
Genomic context (GRCh38, chr6:116,120,535, plus strand): 5'-TGTTACCCCCTGGTTGGCACTAACAAGAGGGGTCCCAGAAAGACTGGGCCTTTGGCCTGC[C>G]TTTATAAAACCCTCAGGCATGACTGCTTGACCTGGTGGGCCTGGAGGCCCAGGGGGCCCT-3'
Protein context (NP_000484.2, residues 517-537): GQAVMPEGFI[Lys527Asn]AGQRPSLSGT

ClinVar aggregate classification (germline): Conflicting classifications of pathogenicity. Review status: criteria provided, conflicting classifications (1 of 4 stars). 4 submissions from 4 submitters: Uncertain significance (1); Likely benign (3). Last evaluated 2025-11-18.

Conditions:
Inborn genetic diseases. Identifiers: MedGen C0950123, MeSH D030342.

Allele frequency attached by ClinVar (database versions not stated): TOPMed 0.00007.
gnomAD v4.1: 138 of 1,613,836 alleles (0.0086%); highest among the groups gnomAD compares: Middle Eastern, 0.016%; no homozygotes.

Submissions (4):

Labcorp Genetics (formerly Invitae), Labcorp
Classification: Likely benign. Last evaluated: 2025-11-18. Review status: criteria provided, single submitter. Criteria: Invitae Variant Classification Sherloc (09022015). Collection method: clinical testing. Allele origin: germline.

Ambry Genetics
Classification: Uncertain significance for Inborn genetic diseases. Last evaluated: 2025-01-02. Review status: criteria provided, single submitter. Criteria: Ambry Variant Classification Scheme 2023. Collection method: clinical testing. Allele origin: germline.

Blueprint Genetics
Classification: Likely benign. Last evaluated: 2024-10-28. Review status: criteria provided, single submitter. Criteria: ACMG Guidelines, 2015. Collection method: clinical testing. Allele origin: germline.

Women's Health and Genetics/Laboratory Corporation of America, LabCorp
Classification: Likely benign. Last evaluated: 2024-02-27. Review status: criteria provided, single submitter. Criteria: LabCorp Variant Classification Summary - May 2015. Collection method: clinical testing. Allele origin: germline.
Comment: Variant summary: COL10A1 c.1581G>C (p.Lys527Asn) results in a non-conservative amino acid change in the encoded protein sequence. Four of five in-silico tools predict a benign effect of the variant on protein function. The variant allele was found at a frequency of 8.6e-05 in 1613106 control chromosomes. c.1581G>C has been reported in the literature as a likely benign variant in at least one heterozygous individual affected with familial short stature (e.g. Plachy_2019). This report does not provide unequivocal conclusions about association of the variant with Metaphyseal Chondrodysplasia, Schmid Type. To our knowledge, no experimental evidence demonstrating an impact on protein function has been reported. The following publication has been ascertained in the context of this evaluation (PMID: 30753492). ClinVar contains an entry for this variant (Variation ID: 1498754). Based on the evidence outlined above, the variant was classified as likely benign.

Literature cited by the submitters: PubMed 30753492 (cited by Women's Health and Genetics/Laboratory Corporation of America, LabCorp).